The following is an entry in ClinVar:

ClinVar aggregate classification (germline): Uncertain significance (1 of 4 stars; one submission).

Conditions:
Hereditary cancer-predisposing syndrome. Also called: Hereditary Cancer Syndrome; Neoplastic Syndromes, Hereditary; Tumor predisposition; Hereditary neoplastic syndrome. Identifiers: Orphanet 140162, MedGen C0027672, MeSH D009386, MONDO:0015356.

Submission:

Ambry Genetics
Classification: Uncertain significance for Hereditary cancer-predisposing syndrome. Last evaluated: 2016-08-17. Review status: criteria provided, single submitter. Criteria: Ambry Variant Classification Scheme 2023. Collection method: clinical testing. Allele origin: germline.
Comment: The p.N284T variant (also known as c.851A>C), located in coding exon 6 of the RAD51C gene, results from an A to C substitution at nucleotide position 851. The asparagine at codon 284 is replaced by threonine, an amino acid with similar properties. This variant was not reported in population based cohorts in the following databases: Database of Single Nucleotide Polymorphisms (dbSNP), NHLBI Exome Sequencing Project (ESP), and 1000 Genomes Project. In the ESP, this variant was not observed in 6503 samples (13006 alleles) with coverage at this position. To date, this alteration has been detected with an allele frequency of approximately 0.001% (greater than 175000 alleles tested) in our clinical cohort. This nucleotide position is highly conserved in available vertebrate species. This amino acid position is highly conserved in available vertebrate species. In addition, the in silico prediction for this alteration is inconclusive. Since supporting evidence is limited at this time, the clinical significance of this alteration remains unclear.

NM_058216.3(RAD51C):c.851A>C (p.Asn284Thr)

Gene: RAD51C (RAD51 paralog C; plus strand). Cytogenetic location: 17q22.
Variant type: single nucleotide variant.
Coding change: c.851A>C on transcript NM_058216.3 (MANE Select); coding-DNA position 851, A replaced by C.
Protein change: p.Asn284Thr; replaces asparagine 284 with threonine.
Molecular consequence: missense variant. On other transcripts: non-coding transcript variant (1).
Genome position (GRCh38, 1-based): chr17:58,720,759, A>C. VCF-style: chr17-58720759-A-C. GRCh37 (hg19) VCF-style: chr17-56798120-A-C.
Other names: short protein forms N284T.
Identifiers: ClinVar variation 480509 (VCV000480509.5), dbSNP rs1555602095, ClinGen allele CA400359387.
Genomic context (GRCh38, chr17:58,720,759, plus strand): 5'-AATTTTCAAAGAGACTCACCTAATTTTCTTACATTTTGTTTTTGTAGGTAATTTTAACCA[A>C]TCAGATGACAACAAAGATTGATAGAAATCAGGCCTTGCTTGTTCCTGCATTAGGTGGGTA-3'
Protein context (NP_478123.1, residues 274-294): NNHRLAVILT[Asn284Thr]QMTTKIDRNQ